The following is an entry in ClinVar:

ClinVar aggregate classification (germline): Conflicting classifications of pathogenicity. Review status: criteria provided, conflicting classifications (1 of 4 stars). 8 submissions from 8 submitters: Pathogenic (1); Likely pathogenic (5); Uncertain significance (1). 1 of the submissions does not count toward it. Last evaluated 2025-11-05.

Conditions:
PRF1-related disorder. Also called: PRF1-related condition.
Familial hemophagocytic lymphohistiocytosis (FHL). Also called: Familial erythrophagocytic lymphohistiocytosis; Familial histiocytic reticulosis; Hereditary hemophagocytic lymphohistiocytosis. Identifiers: Orphanet 158038, Orphanet 540, MedGen C0272199, MONDO:0015541.
Familial hemophagocytic lymphohistiocytosis 2 (FHL2). Also called: PRF1-Related Familial Hemophagocytic Lymphohistiocytosis (PRF1-fHLH). Identifiers: Orphanet 540, MedGen C1863727, MONDO:0011337, OMIM 603553.
Aplastic anemia. Identifiers: Orphanet 182040, Orphanet 88, MedGen C0002874, MONDO:0015909, OMIM 609135, HP:0001915.

Allele frequency attached by ClinVar (database versions not stated): ExAC 0.00001; gnomAD 0.00001; gnomAD exomes 0.00001; TOPMed 0.00003.
gnomAD v4.1: 5 of 1,614,080 alleles (0.00031%); highest among the groups gnomAD compares: Admixed American, 0.0067%; no homozygotes.

Submissions (8):

GeneDx
Classification: Likely pathogenic. Last evaluated: 2025-11-05. Review status: criteria provided, single submitter. Criteria: GeneDx Variant Classification Process June 2021. Collection method: clinical testing. Allele origin: germline. Affected: yes.
Comment: Published functional studies demonstrate severely diminished perforin detection and cytotoxicity with an unstable/unfolded protein (PMID: 16374518, 15755897); In silico analysis supports that this missense variant has a deleterious effect on protein structure/function; This variant is associated with the following publications: (PMID: 16374518, 23592409, 23264592, 17873118, 15755897, 19639728, 14757862)

Labcorp Genetics (formerly Invitae), Labcorp
Classification: Pathogenic for Familial hemophagocytic lymphohistiocytosis 2. Last evaluated: 2025-05-17. Review status: criteria provided, single submitter. Criteria: Invitae Variant Classification Sherloc (09022015). Collection method: clinical testing. Allele origin: germline.
Comment: This sequence change replaces glutamine, which is neutral and polar, with proline, which is neutral and non-polar, at codon 481 of the PRF1 protein (p.Gln481Pro). This variant is present in population databases (rs764596094, gnomAD 0.006%). This missense change has been observed in individual(s) with hemophagocytic lymphohistiocytosis (PMID: 14757862, 19639728). In at least one individual the data is consistent with being in trans (on the opposite chromosome) from a pathogenic variant. ClinVar contains an entry for this variant (Variation ID: 1331382). Invitae Evidence Modeling of protein sequence and biophysical properties (such as structural, functional, and spatial information, amino acid conservation, physicochemical variation, residue mobility, and thermodynamic stability) indicates that this missense variant is expected to disrupt PRF1 protein function with a positive predictive value of 95%. Experimental studies have shown that this missense change affects PRF1 function (PMID: 15755897, 16374518). For these reasons, this variant has been classified as Pathogenic.

Dasa
Classification: Likely pathogenic for Familial hemophagocytic lymphohistiocytosis 2. Last evaluated: 2025-01-10. Review status: criteria provided, single submitter. Criteria: DASA Assertion Criteria. Collection method: clinical testing. Allele origin: germline.
Comment: NM_001083116.3(PRF1):c.1442A>C (p.Gln481Pro) is a missense variant that results in the substitution of glutamine with proline. Segregation data support an association with disease in the reported family/families (PMID: 14757862; PMID: 19639728). This variant has been recurrently observed in individuals with PRF1-related disorders (PMID: 14757862; PMID: 19639728). Functional evidence supports an impact on the gene or gene product (PMID: 15755897; PMID: 14757862). Also, this variant is rare in population databases. Computational evidence supports a deleterious effect. Based on the currently available evidence, this variant is classified as likely pathogenic.

Baylor Genetics
Classification: Likely pathogenic for Aplastic anemia. Last evaluated: 2024-03-27. Review status: criteria provided, single submitter. Criteria: ACMG Guidelines, 2015. Collection method: clinical testing. Allele origin: unknown.

Revvity Omics, Revvity
Classification: Uncertain significance. Last evaluated: 2023-05-18. Review status: criteria provided, single submitter. Criteria: ACMG Guidelines, 2015. Collection method: clinical testing. Allele origin: germline.

Blueprint Genetics
Classification: Likely pathogenic for PRF1-related disorders. Last evaluated: 2022-07-18. Review status: criteria provided, single submitter. Criteria: ACMG Guidelines, 2015. Collection method: clinical testing. Allele origin: germline. Affected: yes. Observed: 1 variant allele.

Women's Health and Genetics/Laboratory Corporation of America, LabCorp
Classification: Likely pathogenic for Familial hemophagocytic lymphohistiocytosis. Last evaluated: 2021-12-02. Review status: criteria provided, single submitter. Criteria: LabCorp Variant Classification Summary - May 2015. Collection method: clinical testing. Allele origin: germline.
Comment: Variant summary: PRF1 c.1442A>C (p.Gln481Pro) results in a non-conservative amino acid change located in the C2 domain of the encoded protein sequence. Five of five in-silico tools predict a damaging effect of the variant on protein function. The variant allele was found at a frequency of 8e-06 in 251454 control chromosomes. c.1442A>C has been reported in the literature in individuals affected with Familial Hemophagocytic Lymphohistiocytosis (Molleran Lee_2004, Garcia-Astudillo_2009). These data indicate that the variant may be associated with disease. At least one publication reports experimental evidence evaluating an impact on protein function. The most pronounced variant effect results in <10% of normal activity (Molleran Lee_2004, Risma_2006). No clinical diagnostic laboratories have submitted clinical-significance assessments for this variant to ClinVar after 2014. Based on the evidence outlined above, the variant was classified as likely pathogenic.

PreventionGenetics, part of Exact Sciences
Classification: Likely pathogenic for PRF1-related condition. Last evaluated: 2024-05-24. Review status: no assertion criteria provided. Collection method: clinical testing. Allele origin: germline. Not counted in ClinVar's aggregate classification.
Comment: The PRF1 c.1442A>C variant is predicted to result in the amino acid substitution p.Gln481Pro. This variant has been reported in the homozygous and presumed compound heterozygous states in two individuals with hemophagocytic lymphohistiocytosis (HLH) (Molleran Lee et al. 2004. PubMed ID: 14757862; García-Astudillo et al. 2009. PubMed ID: 19639728). A large family study also observed this variant segregating across multiple generations in a manner consistent with autosomal recessive inheritance (García-Astudillo et al. 2009. PubMed ID: 19639728). In vitro functional studies have demonstrated that this variant results in decreased perforin expression and greatly diminished natural-killer (NK) cell cytotoxicity (Molleran Lee et al. 2004. PubMed ID: 14757862; Voskoboinik et al. 2005. PubMed ID: 15755897; Risma et al. 2006. PubMed ID: 16374518). This variant is reported in 0.0058% of alleles in individuals of Latino descent in gnomAD. Taken together, this variant is interpreted as likely pathogenic.

Literature cited by the submitters: PubMed 14757862 (cited by 3 submitters); PubMed 19639728 (cited by 3 submitters); PubMed 15755897 (cited by 3 submitters); PubMed 16374518 (cited by 3 submitters).

NM_001083116.3(PRF1):c.1442A>C (p.Gln481Pro)

Gene: PRF1 (perforin 1; minus strand). Cytogenetic location: 10q22.1.
Variant type: single nucleotide variant.
Coding change: c.1442A>C on transcript NM_001083116.3 (MANE Select); coding-DNA position 1442, A replaced by C.
Protein change: p.Gln481Pro; replaces glutamine 481 with proline.
Molecular consequence: missense variant.
Genome position (GRCh38, 1-based): chr10:70,598,279, T>G on the plus strand (A>C on the coding strand, the complement: PRF1 is on the minus strand). VCF-style: chr10-70598279-T-G. GRCh37 (hg19) VCF-style: chr10-72358035-T-G.
Other names: c.1442A>C, p.Gln481Pro (NM_005041.6); short protein forms Q481P.
Identifiers: ClinVar variation 1331382 (VCV001331382.16), dbSNP rs764596094, ClinGen allele CA5538739.
Genomic context (GRCh38, chr10:70,598,279, plus strand): 5'-GGAGCCTGATCACAGGTGCCAAGGAGGTCATCGTCCCTGCCAGAGTCCTGATCCCAGACC[T>G]GCAACCTCAGGGGCCCCCCTGTGGCCAGGAGCACATCCCCAAAATCCAGCCGCACTGACC-3'
Protein context (NP_001076585.1, residues 471-491): LLATGGPLRL[Gln481Pro]VWDQDSGRDD